The following is an entry in ClinVar:

ClinVar aggregate classification (germline): Uncertain significance. Review status: criteria provided, multiple submitters, no conflicts (2 of 4 stars). 3 submissions from 3 submitters: Uncertain significance (3). Last evaluated 2024-09-23.

Conditions:
Inborn genetic diseases. Identifiers: MedGen C0950123, MeSH D030342.
Neutral lipid storage myopathy (NLSDM). Also called: NEUTRAL LIPID STORAGE DISEASE WITHOUT ICHTHYOSIS. Identifiers: Orphanet 98908, MedGen C1853136, MONDO:0012545, OMIM 610717.

Allele frequency attached by ClinVar (database versions not stated): TOPMed 0.00001.

Submissions (3):

Labcorp Genetics (formerly Invitae), Labcorp
Classification: Uncertain significance for Neutral lipid storage myopathy. Last evaluated: 2024-09-23. Review status: criteria provided, single submitter. Criteria: Invitae Variant Classification Sherloc (09022015). Collection method: clinical testing. Allele origin: germline.
Comment: This sequence change replaces arginine, which is basic and polar, with glutamine, which is neutral and polar, at codon 251 of the PNPLA2 protein (p.Arg251Gln). The frequency data for this variant in the population databases is considered unreliable, as metrics indicate poor data quality at this position in the gnomAD database. This variant has not been reported in the literature in individuals affected with PNPLA2-related conditions. ClinVar contains an entry for this variant (Variation ID: 465798). Invitae Evidence Modeling of protein sequence and biophysical properties (such as structural, functional, and spatial information, amino acid conservation, physicochemical variation, residue mobility, and thermodynamic stability) indicates that this missense variant is not expected to disrupt PNPLA2 protein function with a negative predictive value of 80%. In summary, the available evidence is currently insufficient to determine the role of this variant in disease. Therefore, it has been classified as a Variant of Uncertain Significance.

Ambry Genetics
Classification: Uncertain significance for Inborn genetic diseases. Last evaluated: 2024-08-11. Review status: criteria provided, single submitter. Criteria: Ambry Variant Classification Scheme 2023. Collection method: clinical testing. Allele origin: germline.

Revvity Omics, Revvity
Classification: Uncertain significance for Neutral lipid storage myopathy. Last evaluated: 2022-06-07. Review status: criteria provided, single submitter. Criteria: ACMG Guidelines, 2015. Collection method: clinical testing. Allele origin: germline.

NM_020376.4(PNPLA2):c.752G>A (p.Arg251Gln)

Gene: PNPLA2 (patatin like domain 2, triacylglycerol lipase; plus strand). Cytogenetic location: 11p15.5.
Variant type: single nucleotide variant.
Coding change: c.752G>A on transcript NM_020376.4 (MANE Select); coding-DNA position 752, G replaced by A.
Protein change: p.Arg251Gln; replaces arginine 251 with glutamine.
Molecular consequence: missense variant.
Genome position (GRCh38, 1-based): chr11:823,582, G>A. VCF-style: chr11-823582-G-A. GRCh37 (hg19) VCF-style: chr11-823582-G-A.
Other names: short protein forms R251Q.
Identifiers: ClinVar variation 465798 (VCV000465798.11), dbSNP rs988744471, ClinGen allele CA216970515.